The following is an entry in ClinVar:

ClinVar aggregate classification (germline): Pathogenic. Review status: criteria provided, multiple submitters, no conflicts (2 of 4 stars). 6 submissions from 6 submitters: Pathogenic (5). 1 of the submissions does not count toward it. Last evaluated 2024-10-08.

Conditions:
Kleefstra syndrome 1 (KLEFS1). Identifiers: Orphanet 261494, MedGen C0795833, MONDO:0027407, OMIM 610253.

Submissions (6):

Victorian Clinical Genetics Services, Murdoch Childrens Research Institute
Classification: Pathogenic for Kleefstra syndrome 1. Last evaluated: 2024-10-08. Review status: criteria provided, single submitter. Criteria: ACMG Guidelines, 2015. Collection method: clinical testing. Allele origin: germline. Inheritance: Autosomal dominant inheritance. Affected: yes.
Comment: Based on the classification scheme VCGS_Germline_v1.3.4, this variant is classified as Pathogenic. Following criteria are met: 0102 - Loss of function is a known mechanism of disease in this gene and is associated with Kleefstra syndrome 1 (MIM#610253). (I) 0107 - This gene is associated with autosomal dominant disease. (I) 0201 - Variant is predicted to cause nonsense-mediated decay (NMD) and loss of protein (premature termination codon is located at least 54 nucleotides upstream of the final exon-exon junction). (SP) 0251 - This variant is heterozygous. (I) 0301 - Variant is absent from gnomAD (both v2 and v3). (SP) 0701 - Other NMD-predicted variants comparable to the one identified in this case have very strong previous evidence for pathogenicity. There are many NMD-predicted variants which have been reported as pathogenic (ClinVar). (SP) 0801 - This variant has strong previous evidence of pathogenicity in unrelated individuals. This variant has been reported as pathogenic in ClinVar in individuals affected with Kleefstra syndrome 1. This variant was also identified in two unrelated individuals diagnosed with Kleefstra syndrome 1 (PMID:22670141). (SP) 1007 - No published functional evidence has been identified for this variant. (SP) Legend: (SP) - Supporting pathogenic, (I) - Information, (SB) - Supporting benign

GeneDx
Classification: Pathogenic. Last evaluated: 2021-11-30. Review status: criteria provided, single submitter. Criteria: GeneDx Variant Classification Process June 2021. Collection method: clinical testing. Allele origin: germline. Affected: yes.
Comment: Reported previously in individuals with Kleefstra syndrome (Willemsen et al., 2012); Nonsense variant predicted to result in protein truncation or nonsense mediated decay in a gene for which loss-of-function is a known mechanism of disease; Not observed at significant frequency in large population cohorts (Lek et al., 2016); This variant is associated with the following publications: (PMID: 22670141)

Department of Genetics, Rouen University Hospital, Normandy Center for Genomic and Personalized Medicine
Classification: Pathogenic for Kleefstra syndrome 1. Last evaluated: 2021-08-11. Review status: criteria provided, single submitter. Criteria: ACMG Guidelines, 2015. Collection method: clinical testing. Allele origin: de novo. Affected: yes.

Institute of Medical Genetics and Applied Genomics, University Hospital Tübingen
Classification: Pathogenic. Last evaluated: 2020-10-23. Review status: criteria provided, single submitter. Criteria: ACMG Guidelines, 2015. Collection method: clinical testing. Allele origin: germline. Inheritance: Autosomal dominant inheritance. Affected: yes.

Laboratory of Genetics, Children's Clinical University Hospital Latvia
Classification: Pathogenic for Kleefstra syndrome 1. Review status: criteria provided, single submitter. Criteria: ACMG Guidelines, 2015. Collection method: curation. Allele origin: inherited. Affected: yes.

GeneReviews
No classification provided. Condition: Kleefstra syndrome 1. Review status: no classification provided. Collection method: literature only. Allele origin: unknown. Not counted in ClinVar's aggregate classification.

Literature cited by the submitters: PubMed 22670141 (cited by Victorian Clinical Genetics Services, Murdoch Childrens Research Institute); PubMed 39013458 (cited by Laboratory of Genetics, Children's Clinical University Hospital Latvia); PubMed 20945554 (cited by GeneReviews); NCBI Bookshelf NBK47079 (cited by GeneReviews).

NM_024757.5(EHMT1):c.1858C>T (p.Arg620Ter)

Gene: EHMT1 (euchromatic histone lysine methyltransferase 1; plus strand). Cytogenetic location: 9q34.3.
Variant type: single nucleotide variant.
Coding change: c.1858C>T on transcript NM_024757.5 (MANE Select); coding-DNA position 1858, C replaced by T.
Protein change: p.Arg620Ter; replaces arginine 620 with a stop codon.
Molecular consequence: nonsense.
Genome position (GRCh38, 1-based): chr9:137,776,684, C>T. VCF-style: chr9-137776684-C-T. GRCh37 (hg19) VCF-style: chr9-140671136-C-T.
Other names: c.1858C>T, p.Arg620Ter (NM_001145527.2); c.1765C>T, p.Arg589Ter (NM_001354259.2); c.1837C>T, p.Arg613Ter (NM_001354263.2); short protein forms R620*, R589*, R613*.
Identifiers: ClinVar variation 65729 (VCV000065729.10), dbSNP rs137852718, ClinGen allele CA345052.